The following is an entry in ClinVar:

ClinVar aggregate classification (germline): Conflicting classifications of pathogenicity. Review status: criteria provided, conflicting classifications (1 of 4 stars). 2 submissions from 2 submitters: Likely pathogenic (1); Uncertain significance (1). Last evaluated 2026-01-14.

Submissions (2):

Labcorp Genetics (formerly Invitae), Labcorp
Classification: Uncertain significance. Last evaluated: 2026-01-14. Review status: criteria provided, single submitter. Criteria: Invitae Variant Classification Sherloc (09022015). Collection method: clinical testing. Allele origin: germline.
Comment: This sequence change creates a premature translational stop signal (p.Asp160Thrfs*11) in the COQ7 gene. It is expected to result in an absent or disrupted protein product. However, the current clinical and genetic evidence is not sufficient to establish whether loss-of-function variants in COQ7 cause disease. This variant is present in population databases (rs780006089, gnomAD 0.008%). This variant has not been reported in the literature in individuals affected with COQ7-related conditions. ClinVar contains an entry for this variant (Variation ID: 3769999). In summary, the available evidence is currently insufficient to determine the role of this variant in disease. Therefore, it has been classified as a Variant of Uncertain Significance.

GeneDx
Classification: Likely pathogenic. Last evaluated: 2024-09-11. Review status: criteria provided, single submitter. Criteria: GeneDx Variant Classification Process June 2021. Collection method: clinical testing. Allele origin: germline. Affected: yes.
Comment: Frameshift variant predicted to result in protein truncation or nonsense mediated decay in a gene for which loss of function is a known mechanism of disease; Not observed at significant frequency in large population cohorts (gnomAD); Has not been previously published as pathogenic or benign to our knowledge

NM_016138.5(COQ7):c.478del (p.Asp160fs)

Gene: COQ7 (coenzyme Q7, hydroxylase; plus strand). Cytogenetic location: 16p12.3.
Variant type: Deletion.
Coding change: c.478del on transcript NM_016138.5 (MANE Select); coding-DNA position 478, one base deleted (G; older notation c.478delG).
Protein change: p.Asp160fs; shifts the reading frame from aspartic acid 160.
Molecular consequence: frameshift variant. On other transcripts: non-coding transcript variant (3).
Genome position (GRCh38, 1-based): chr16:19,075,831, G deleted; the last of 2 consecutive G bases (chr16:19,075,830-19,075,831); deleting either gives the same sequence. VCF-style (leftmost placement, unchanged base first): chr16-19075829-AG-A. GRCh37 (hg19) VCF-style: chr16-19087151-AG-A.
Other names: c.364del, p.Asp122fs (NM_001190983.2, NM_001370492.1, NM_001370493.1 and 2 more transcripts); c.436del, p.Asp146fs (NM_001370489.1, NM_001370491.1); c.478del, p.Asp160fs (NM_001370490.1); short protein forms D122fs, D146fs, D160fs.
Identifiers: ClinVar variation 3769999 (VCV003769999.2).